The following is an entry in ClinVar:

ClinVar aggregate classification (germline): Uncertain significance (1 of 4 stars; one submission).

Conditions:
Myopathy with tubular aggregates (TAM). Also called: Tubular Aggregate Myopathy. Identifiers: Orphanet 2593, MedGen C0410207, MONDO:0008051.
Combined immunodeficiency due to STIM1 deficiency. Also called: IMMUNODEFICIENCY 10; STIM1 DEFICIENCY. Identifiers: Orphanet 169090, Orphanet 317430, MedGen C2748557, MONDO:0013008, OMIM 612783.
Stormorken syndrome (STRMK). Also called: THROMBOCYTOPATHY, ASPLENIA, AND MIOSIS. Identifiers: Orphanet 3204, MedGen C1861451, MONDO:0008497, OMIM 185070.

Submission:

Labcorp Genetics (formerly Invitae), Labcorp
Classification: Uncertain significance for Myopathy with tubular aggregates; Combined immunodeficiency due to STIM1 deficiency; Stormorken syndrome. Last evaluated: 2026-02-01. Review status: criteria provided, single submitter. Criteria: Invitae Variant Classification Sherloc (09022015). Collection method: clinical testing. Allele origin: germline.
Comment: This sequence change replaces proline, which is neutral and non-polar, with threonine, which is neutral and polar, at codon 576 of the STIM1 protein (p.Pro576Thr). Information on the frequency of this variant in the gnomAD database is not available, as this variant may be reported differently in the database. This variant has not been reported in the literature in individuals affected with STIM1-related conditions. ClinVar contains an entry for this variant (Variation ID: 1718070). Experimental studies and prediction algorithms are not available or were not evaluated, and the functional significance of this variant is currently unknown. In summary, the available evidence is currently insufficient to determine the role of this variant in disease. Therefore, it has been classified as a Variant of Uncertain Significance.

NM_001382567.1(STIM1):c.1818_1819delinsTA (p.Pro607Thr)

Genes: STIM1 (stromal interaction molecule 1; plus strand), LOC124418421 (Sharpr-MPRA regulatory region 9588; plus strand). Cytogenetic location: 11p15.4.
Variant type: Indel.
Coding change: c.1818_1819delinsTA on transcript NM_001382567.1 (MANE Select); coding-DNA positions 1818 to 1819, CC replaced by TA.
Protein change: p.Pro607Thr; replaces proline 607 with threonine.
Molecular consequence: missense variant. On other transcripts: 3 prime UTR variant (4), non-coding transcript variant (3).
Genome position (GRCh38, 1-based): chr11:4,091,465-4,091,466, CC replaced by TA. VCF-style: chr11-4091465-CC-TA. GRCh37 (hg19) VCF-style: chr11-4112695-CC-TA.
Other names: c.1746_1747delinsTA, p.Pro583Thr (NM_001382568.1); c.1590_1591delinsTA, p.Pro531Thr (NM_001382569.1); c.1497_1498delinsTA, p.Pro500Thr (NM_001382570.1); c.1245_1246delinsTA, p.Pro416Thr (NM_001382571.1); c.1503_1504delinsTA, p.Pro502Thr (NM_001382575.1, NM_001382576.1, NM_001382577.1); c.*139_*140delinsTA (NM_001382578.1, NM_001382579.1, NM_001277962.2 and 1 more transcripts); c.2043_2044delinsTA, p.Pro682Thr (NM_001277961.3); c.1821_1822delinsTA, p.Pro608Thr (NM_001382566.1); and 2 more; short protein forms P413T, P416T, P500T, P502T, P531T, P576T, P583T, P607T.
Identifiers: ClinVar variation 1718070 (VCV001718070.6), dbSNP rs2498543752, ClinGen allele CA2580083893.